The following is an entry in ClinVar:

ClinVar aggregate classification (germline): Benign. Review status: criteria provided, multiple submitters, no conflicts (2 of 4 stars). 2 submissions from 2 submitters: Benign (2). Last evaluated 2018-06-14.

Allele frequency attached by ClinVar (database versions not stated): gnomAD exomes 0.11644; gnomAD 0.19059 and 0.19624; 1000 Genomes Project 0.19249; TOPMed 0.19943; 1000 Genomes Project 30x 0.20066.
gnomAD v4.1: 155,076 of 1,231,074 alleles (13%); highest among the groups gnomAD compares: African/African-American, 39%; 12,589 homozygotes.

Submissions (2):

GeneDx
Classification: Benign. Last evaluated: 2018-06-14. Review status: criteria provided, single submitter. Criteria: GeneDx Variant Classification (06012015). Collection method: clinical testing. Allele origin: germline. Affected: yes.
Comment: This variant is considered likely benign or benign based on one or more of the following criteria: it is a conservative change, it occurs at a poorly conserved position in the protein, it is predicted to be benign by multiple in silico algorithms, and/or has population frequency not consistent with disease.

Breakthrough Genomics
Classification: Benign. Review status: criteria provided, single submitter. Criteria: ACMG Guidelines, 2015. Collection method: not provided. Allele origin: germline. Inheritance: Autosomal recessive inheritance. Affected: yes.

NM_003477.3(PDHX):c.160+94A>G

Genes: PDHX (pyruvate dehydrogenase complex component X; plus strand), LOC130005549 (ATAC-STARR-seq lymphoblastoid active region 4608; plus strand). Cytogenetic location: 11p13.
Variant type: single nucleotide variant.
Coding change: c.160+94A>G on transcript NM_003477.3 (MANE Select); 94 bases into the intron after coding-DNA position 160, A replaced by G.
Molecular consequence: intron variant.
Genome position (GRCh38, 1-based): chr11:34,916,909, A>G. VCF-style: chr11-34916909-A-G. GRCh37 (hg19) VCF-style: chr11-34938456-A-G.
Other names: c.-21+423A>G (NM_001135024.2); c.160+94A>G (NM_001166158.2).
Identifiers: ClinVar variation 671563 (VCV000671563.2), dbSNP rs3818397, ClinGen allele CA13459336.